The following is an entry in ClinVar:

ClinVar aggregate classification (germline): Uncertain significance (1 of 4 stars; one submission).

Conditions:
Retinitis pigmentosa 59 (RP59). Identifiers: Orphanet 791, MedGen C3151227, MONDO:0013468, OMIM 613861.

Submission:

Labcorp Genetics (formerly Invitae), Labcorp
Classification: Uncertain significance for Retinitis pigmentosa 59. Last evaluated: 2024-10-16. Review status: criteria provided, single submitter. Criteria: Invitae Variant Classification Sherloc (09022015). Collection method: clinical testing. Allele origin: germline.
Comment: This sequence change replaces glutamine, which is neutral and polar, with histidine, which is basic and polar, at codon 44 of the DHDDS protein (p.Gln44His). This variant is not present in population databases (gnomAD no frequency). This variant has not been reported in the literature in individuals affected with DHDDS-related conditions. Invitae Evidence Modeling of protein sequence and biophysical properties (such as structural, functional, and spatial information, amino acid conservation, physicochemical variation, residue mobility, and thermodynamic stability) indicates that this missense variant is not expected to disrupt DHDDS protein function with a negative predictive value of 80%. In summary, the available evidence is currently insufficient to determine the role of this variant in disease. Therefore, it has been classified as a Variant of Uncertain Significance.

NM_205861.3(DHDDS):c.132G>C (p.Gln44His)

Gene: DHDDS (dehydrodolichyl diphosphate synthase subunit; plus strand). Cytogenetic location: 1p36.11.
Variant type: single nucleotide variant.
Coding change: c.132G>C on transcript NM_205861.3 (MANE Select); coding-DNA position 132, G replaced by C.
Protein change: p.Gln44His; replaces glutamine 44 with histidine.
Molecular consequence: missense variant. On other transcripts: 5 prime UTR variant (1).
Genome position (GRCh38, 1-based): chr1:26,438,236, G>C. VCF-style: chr1-26438236-G-C. GRCh37 (hg19) VCF-style: chr1-26764727-G-C.
Other names: c.132G>C, p.Gln44His (NM_001243564.2, NM_001243565.2, NM_024887.4); c.-171G>C (NM_001319959.2); short protein forms Q44H.
Identifiers: ClinVar variation 3700866 (VCV003700866.2).